The following is an entry in ClinVar:

ClinVar aggregate classification (germline): Likely pathogenic (1 of 4 stars; one submission).

Conditions:
ELN-related disorder.

Submission:

PreventionGenetics, part of Exact Sciences
Classification: Likely pathogenic for ELN-related condition. Last evaluated: 2026-02-23. Review status: criteria provided, single submitter. Criteria: ACMG Guidelines, 2015. Collection method: clinical testing. Allele origin: germline.
Comment: The ELN c.1163delG variant is predicted to result in a frameshift and premature protein termination (p.Gly388Glufs*86). To our knowledge, this variant has not been reported in the literature or in a large population database (gnomAD), indicating this variant is rare. Frameshift variants in ELN are expected to be pathogenic. This variant is interpreted as likely pathogenic.

NM_000501.4(ELN):c.1163del (p.Gly388fs)

Gene: ELN (elastin; plus strand). Cytogenetic location: 7q11.23.
Variant type: Deletion.
Coding change: c.1163del on transcript NM_000501.4 (MANE Select); coding-DNA position 1163, one base deleted (G; older notation c.1163delG).
Protein change: p.Gly388fs; shifts the reading frame from glycine 388.
Molecular consequence: frameshift variant.
Genome position (GRCh38, 1-based): chr7:74,056,283, G deleted; the last of 2 consecutive G bases (chr7:74,056,282-74,056,283); deleting either gives the same sequence. VCF-style (leftmost placement, unchanged base first): chr7-74056281-CG-C. GRCh37 (hg19) VCF-style: chr7-73470611-CG-C.
Other names: c.1133del, p.Gly378fs (NM_001081752.3, NM_001278917.2); c.1178del, p.Gly393fs (NM_001081753.3, NM_001081754.3); c.1163del, p.Gly388fs (NM_001081755.3, NM_001278912.2, NM_001278915.2 and 1 more transcripts); c.1055del, p.Gly352fs (NM_001278913.2); c.1148del, p.Gly383fs (NM_001278914.2); c.1121del, p.Gly374fs (NM_001278916.2); c.1031del, p.Gly344fs (NM_001278918.2); short protein forms G344fs, G388fs, G374fs, G393fs, G352fs, G383fs, G378fs.
Identifiers: ClinVar variation 4999915 (VCV004999915.1).